The following is an entry in ClinVar:

ClinVar aggregate classification (germline): Uncertain significance (1 of 4 stars; one submission).

Conditions:
MKX-related disorder. Also called: MKX-related condition.

Submission:

PreventionGenetics, part of Exact Sciences
Classification: Uncertain significance for MKX-related condition. Last evaluated: 2023-03-09. Review status: criteria provided, single submitter. Criteria: ACMG Guidelines, 2015. Collection method: clinical testing. Allele origin: germline.
Comment: The MKX c.669G>T variant is predicted to result in the amino acid substitution p.Leu223Phe. To our knowledge, this variant has not been reported in the literature or in a large population database, indicating this variant is rare. At this time, the clinical significance of this variant is uncertain due to the absence of conclusive functional and genetic evidence.

NM_173576.3(MKX):c.669G>T (p.Leu223Phe)

Genes: MKX (mohawk homeobox; minus strand), LOC126860890 (CDK7 strongly-dependent group 2 enhancer GRCh37_chr10:28023032-28024231; plus strand). Cytogenetic location: 10p12.1.
Variant type: single nucleotide variant.
Coding change: c.669G>T on transcript NM_173576.3 (MANE Select); coding-DNA position 669, G replaced by T.
Protein change: p.Leu223Phe; replaces leucine 223 with phenylalanine.
Molecular consequence: missense variant.
Genome position (GRCh38, 1-based): chr10:27,734,625, C>A on the plus strand (G>T on the coding strand, the complement: MKX is on the minus strand). VCF-style: chr10-27734625-C-A. GRCh37 (hg19) VCF-style: chr10-28023554-C-A.
Other names: c.669G>T, p.Leu223Phe (NM_001242702.2); short protein forms L223F.
Identifiers: ClinVar variation 2630412 (VCV002630412.1), dbSNP rs1834709876, ClinGen allele CA376489488.
Genomic context (GRCh38, chr10:27,734,625, plus strand): 5'-TCCCATCATGGTAGTGTTCGTGGCCATGACATGTCTCAAAGAGTCATTAAGGTAACGGTT[C>A]AACAAGCTGCTCTTGTATTTGGGGGGTGCCACGTAGTCCTCACTGGCCCGTGACTCTGGC-3'
Protein context (NP_775847.2, residues 213-233): VAPPKYKSSL[Leu223Phe]NRYLNDSLRH